The following is an entry in ClinVar:

ClinVar aggregate classification (germline): Likely benign. Review status: criteria provided, single submitter (1 of 4 stars). 2 submissions from 2 submitters: Likely benign (1). 1 of the submissions does not count toward it. Last evaluated 2018-07-31.

Conditions:
CENPE-related disorder. Also called: CENPE-related condition.

Allele frequency attached by ClinVar (database versions not stated): gnomAD 0.00002; TOPMed 0.00006.
gnomAD v4.1: 19 of 1,612,386 alleles (0.0012%); highest among the groups gnomAD compares: Admixed American, 0.025%; no homozygotes.

Submissions (2):

Labcorp Genetics (formerly Invitae), Labcorp
Classification: Likely benign. Last evaluated: 2018-07-31. Review status: criteria provided, single submitter. Criteria: Invitae Variant Classification Sherloc (09022015). Collection method: clinical testing. Allele origin: germline.

PreventionGenetics, part of Exact Sciences
Classification: Likely benign for CENPE-related condition. Last evaluated: 2019-08-07. Review status: no assertion criteria provided. Collection method: clinical testing. Allele origin: germline. Not counted in ClinVar's aggregate classification.
Comment: This variant is classified as likely benign based on ACMG/AMP sequence variant interpretation guidelines (Richards et al. 2015 PMID: 25741868, with internal and published modifications).

NM_001813.3(CENPE):c.628-6A>G

Gene: CENPE (centromere protein E; minus strand). Cytogenetic location: 4q24.
Variant type: single nucleotide variant.
Coding change: c.628-6A>G on transcript NM_001813.3 (MANE Select); 6 bases into the intron before coding-DNA position 628, A replaced by G.
Molecular consequence: intron variant.
Genome position (GRCh38, 1-based): chr4:103,194,300, T>C on the plus strand (A>G on the coding strand, the complement: CENPE is on the minus strand). VCF-style: chr4-103194300-T-C. GRCh37 (hg19) VCF-style: chr4-104115457-T-C.
Other names: c.628-6A>G (NM_001286734.2).
Identifiers: ClinVar variation 761712 (VCV000761712.5), dbSNP rs755764926, ClinGen allele CA3030716.